The following is an entry in ClinVar:

ClinVar aggregate classification (germline): Uncertain significance (1 of 4 stars; one submission).

Allele frequency attached by ClinVar (database versions not stated): gnomAD 0.00003; gnomAD exomes 0.00008 and 0.00017; TOPMed 0.00009; ExAC 0.00014.
gnomAD v4.1: 51 of 1,614,036 alleles (0.0032%); highest among the groups gnomAD compares: Admixed American, 0.083%; no homozygotes.

Submission:

Labcorp Genetics (formerly Invitae), Labcorp
Classification: Uncertain significance. Last evaluated: 2025-12-18. Review status: criteria provided, single submitter. Criteria: Invitae Variant Classification Sherloc (09022015). Collection method: clinical testing. Allele origin: germline.
Comment: This sequence change replaces glutamine, which is neutral and polar, with histidine, which is basic and polar, at codon 690 of the AP3D1 protein (p.Gln690His). This variant is present in population databases (rs766877798, gnomAD 0.1%). This variant has not been reported in the literature in individuals affected with AP3D1-related conditions. ClinVar contains an entry for this variant (Variation ID: 1512956). An algorithm developed to predict the effect of missense changes on protein structure and function (PolyPhen-2) suggests that this variant is likely to be disruptive. In summary, the available evidence is currently insufficient to determine the role of this variant in disease. Therefore, it has been classified as a Variant of Uncertain Significance.

NM_001261826.3(AP3D1):c.2070G>T (p.Gln690His)

Gene: AP3D1 (adaptor related protein complex 3 subunit delta 1; minus strand). Cytogenetic location: 19p13.3.
Variant type: single nucleotide variant.
Coding change: c.2070G>T on transcript NM_001261826.3 (MANE Select); coding-DNA position 2070, G replaced by T.
Protein change: p.Gln690His; replaces glutamine 690 with histidine.
Molecular consequence: missense variant.
Genome position (GRCh38, 1-based): chr19:2,116,210, C>A on the plus strand (G>T on the coding strand, the complement: AP3D1 is on the minus strand). VCF-style: chr19-2116210-C-A. GRCh37 (hg19) VCF-style: chr19-2116209-C-A.
Other names: c.2070G>T, p.Gln690His (NM_001374799.1, NM_003938.8); short protein forms Q690H.
Identifiers: ClinVar variation 1512956 (VCV001512956.6), dbSNP rs766877798, ClinGen allele CA9059055.